The following is an entry in ClinVar:

NM_006389.5(HYOU1):c.2516C>G (p.Ala839Gly)

Gene: HYOU1 (hypoxia up-regulated 1; minus strand). Cytogenetic location: 11q23.3.
Variant type: single nucleotide variant.
Coding change: c.2516C>G on transcript NM_006389.5 (MANE Select); coding-DNA position 2516, C replaced by G.
Protein change: p.Ala839Gly; replaces alanine 839 with glycine.
Molecular consequence: missense variant.
Genome position (GRCh38, 1-based): chr11:119,047,813, G>C on the plus strand (C>G on the coding strand, the complement: HYOU1 is on the minus strand). VCF-style: chr11-119047813-G-C. GRCh37 (hg19) VCF-style: chr11-118918525-G-C.
Other names: c.2516C>G, p.Ala839Gly (NM_001130991.3); short protein forms A839G.
Identifiers: ClinVar variation 1463753 (VCV001463753.8), dbSNP rs372174234, ClinGen allele CA229617928.

ClinVar aggregate classification (germline): Uncertain significance (1 of 4 stars; one submission).

Allele frequency attached by ClinVar (database versions not stated): gnomAD 0.00001; TOPMed 0.00001.

Submission:

Labcorp Genetics (formerly Invitae), Labcorp
Classification: Uncertain significance. Last evaluated: 2024-04-15. Review status: criteria provided, single submitter. Criteria: Invitae Variant Classification Sherloc (09022015). Collection method: clinical testing. Allele origin: germline.
Comment: This sequence change replaces alanine, which is neutral and non-polar, with glycine, which is neutral and non-polar, at codon 839 of the HYOU1 protein (p.Ala839Gly). This variant is present in population databases (rs372174234, gnomAD 0.01%). This variant has not been reported in the literature in individuals affected with HYOU1-related conditions. ClinVar contains an entry for this variant (Variation ID: 1463753). An algorithm developed to predict the effect of missense changes on protein structure and function (PolyPhen-2) suggests that this variant is likely to be tolerated. In summary, the available evidence is currently insufficient to determine the role of this variant in disease. Therefore, it has been classified as a Variant of Uncertain Significance.